The following is an entry in ClinVar:

NM_003289.4(TPM2):c.362A>T (p.Asp121Val)

Gene: TPM2 (tropomyosin 2; minus strand). Cytogenetic location: 9p13.3.
Variant type: single nucleotide variant.
Coding change: c.362A>T on transcript NM_003289.4 (MANE Select); coding-DNA position 362, A replaced by T.
Protein change: p.Asp121Val; replaces aspartic acid 121 with valine.
Molecular consequence: missense variant.
Genome position (GRCh38, 1-based): chr9:35,685,659, T>A on the plus strand (A>T on the coding strand, the complement: TPM2 is on the minus strand). VCF-style: chr9-35685659-T-A. GRCh37 (hg19) VCF-style: chr9-35685656-T-A.
Other names: c.362A>T, p.Asp121Val (NM_001301226.2, NM_001301227.2, NM_213674.1); short protein forms D121V.
Identifiers: ClinVar variation 1006847 (VCV001006847.8), dbSNP rs1824862680, ClinGen allele CA373367972.
Genomic context (GRCh38, chr9:35,685,659, plus strand): 5'-AGGCTCCCTTCTCCCTCCCGGACCATCCTCCCCGAGGCCCCTGACCACCTCTCGCTCTCA[T>A]CAGCCGCCTTCTCGGCCTCCTCCAGCTTCTGCAGGGCTGTAGCCAGGCGCTCCTGGGCCC-3'
Protein context (NP_003280.2, residues 111-131): QKLEEAEKAA[Asp121Val]ESERGMKVIE

ClinVar aggregate classification (germline): Uncertain significance (1 of 4 stars; one submission).

Conditions:
Arthrogryposis, distal, type 1A. Also called: ARTHROGRYPOSIS MULTIPLEX CONGENITA, DISTAL, TYPE I. Identifiers: Orphanet 1146, MedGen C6022280, MONDO:0007157, OMIM 108120.

Submission:

Labcorp Genetics (formerly Invitae), Labcorp
Classification: Uncertain significance for Arthrogryposis, distal, type 1A. Last evaluated: 2022-02-05. Review status: criteria provided, single submitter. Criteria: Invitae Variant Classification Sherloc (09022015). Collection method: clinical testing. Allele origin: germline.
Comment: Algorithms developed to predict the effect of missense changes on protein structure and function (SIFT, PolyPhen-2, Align-GVGD) all suggest that this variant is likely to be disruptive. In summary, the available evidence is currently insufficient to determine the role of this variant in disease. Therefore, it has been classified as a Variant of Uncertain Significance. ClinVar contains an entry for this variant (Variation ID: 1006847). This variant has not been reported in the literature in individuals affected with TPM2-related conditions. This variant is not present in population databases (gnomAD no frequency). This sequence change replaces aspartic acid, which is acidic and polar, with valine, which is neutral and non-polar, at codon 121 of the TPM2 protein (p.Asp121Val).